The following is an entry in ClinVar:

NM_001291303.3(FAT4):c.1358A>C (p.Gln453Pro)

Gene: FAT4 (FAT atypical cadherin 4; plus strand). Cytogenetic location: 4q28.1.
Variant type: single nucleotide variant.
Coding change: c.1358A>C on transcript NM_001291303.3 (MANE Select); coding-DNA position 1358, A replaced by C.
Protein change: p.Gln453Pro; replaces glutamine 453 with proline.
Molecular consequence: missense variant.
Genome position (GRCh38, 1-based): chr4:125,317,769, A>C. VCF-style: chr4-125317769-A-C. GRCh37 (hg19) VCF-style: chr4-126238924-A-C.
Other names: c.1358A>C, p.Gln453Pro (NM_024582.6, NM_001291285.3); short protein forms Q453P.
Identifiers: ClinVar variation 2628976 (VCV002628976.1), dbSNP rs6847454, ClinGen allele CA3071972.

ClinVar aggregate classification (germline): Uncertain significance (1 of 4 stars; one submission).

Conditions:
FAT4-related disorder. Also called: FAT4-related condition.

gnomAD v4.1: 18 of 1,613,818 alleles (0.0011%); highest among the groups gnomAD compares: Middle Eastern, 0.066%; no homozygotes.

Submission:

PreventionGenetics, part of Exact Sciences
Classification: Uncertain significance for FAT4-related condition. Last evaluated: 2022-12-20. Review status: criteria provided, single submitter. Criteria: ACMG Guidelines, 2015. Collection method: clinical testing. Allele origin: germline.
Comment: The FAT4 c.1358A>C variant is predicted to result in the amino acid substitution p.Gln453Pro. To our knowledge, this variant has not been reported in the literature. This variant is reported in 0.023% of alleles in individuals of South Asian descent in gnomAD. At this time, the clinical significance of this variant is uncertain due to the absence of conclusive functional and genetic evidence.